The following is an entry in ClinVar:

NM_017672.6(TRPM7):c.3578G>A (p.Ser1193Asn)

Gene: TRPM7 (transient receptor potential cation channel subfamily M member 7; minus strand). Cytogenetic location: 15q21.2.
Variant type: single nucleotide variant.
Coding change: c.3578G>A on transcript NM_017672.6 (MANE Select); coding-DNA position 3578, G replaced by A.
Protein change: p.Ser1193Asn; replaces serine 1193 with asparagine.
Molecular consequence: missense variant. On other transcripts: non-coding transcript variant (3).
Genome position (GRCh38, 1-based): chr15:50,593,647, C>T on the plus strand (G>A on the coding strand, the complement: TRPM7 is on the minus strand). VCF-style: chr15-50593647-C-T. GRCh37 (hg19) VCF-style: chr15-50885844-C-T.
Other names: c.3578G>A, p.Ser1193Asn (NM_001301212.2); short protein forms S1193N.
Identifiers: ClinVar variation 3811091 (VCV003811091.7).

ClinVar aggregate classification (germline): Conflicting classifications of pathogenicity. Review status: criteria provided, conflicting classifications (1 of 4 stars). 2 submissions from 2 submitters: Uncertain significance (1); Likely benign (1). Last evaluated 2025-10-01.

gnomAD v4.1: 44 of 1,611,916 alleles (0.0027%); highest among the groups gnomAD compares: Non-Finnish European, 0.0036%; no homozygotes.

Submissions (2):

CeGaT Center for Human Genetics Tuebingen
Classification: Likely benign. Last evaluated: 2025-10-01. Review status: criteria provided, single submitter. Criteria: CeGaT Center For Human Genetics Tuebingen Variant Classification Criteria Version 2. Collection method: clinical testing. Allele origin: germline. Affected: yes. Observed: 1 variant allele.
Comment: TRPM7: BS2

Ambry Genetics
Classification: Uncertain significance. Last evaluated: 2024-12-17. Review status: criteria provided, single submitter. Criteria: Ambry Variant Classification Scheme 2023. Collection method: clinical testing. Allele origin: germline.